The following is an entry in ClinVar:

NM_006371.5(CRTAP):c.654C>T (p.Asn218=)

Gene: CRTAP (cartilage associated protein; plus strand). Cytogenetic location: 3p22.3.
Variant type: single nucleotide variant.
Coding change: c.654C>T on transcript NM_006371.5 (MANE Select); coding-DNA position 654, C replaced by T.
Protein change: p.Asn218=; no amino-acid change (asparagine 218 retained).
Molecular consequence: synonymous variant.
Genome position (GRCh38, 1-based): chr3:33,124,440, C>T. VCF-style: chr3-33124440-C-T. GRCh37 (hg19) VCF-style: chr3-33165932-C-T.
Other names: c.654C>T, p.Asn218= (NM_001393363.1, NM_001393364.1); c.504C>T, p.Asn168= (NM_001393365.1).
Identifiers: ClinVar variation 465813 (VCV000465813.24), dbSNP rs144486582, ClinGen allele CA2300353.

ClinVar aggregate classification (germline): Conflicting classifications of pathogenicity. Review status: criteria provided, conflicting classifications (1 of 4 stars). 5 submissions from 5 submitters: Uncertain significance (1); Likely benign (4). Last evaluated 2026-01-24.

Conditions:
Osteogenesis imperfecta type 7 (OI7). Also called: OSTEOGENESIS IMPERFECTA, TYPE IIB; Osteogenesis imperfecta type 2B; OI type 2B; Osteogenesis imperfecta, perinatal lethal autosomal recessive; OI type IIB; OI type 7. Identifiers: MedGen C1853162, MONDO:0012536, OMIM 610682.

Allele frequency attached by ClinVar (database versions not stated): ESP Exome Variant Server 0.00015; gnomAD 0.00015 and 0.00016; TOPMed 0.00015; 1000 Genomes Project 30x 0.00016; ExAC 0.00019; 1000 Genomes Project 0.00020; gnomAD exomes 0.00022.
gnomAD v4.1: 454 of 1,614,212 alleles (0.028%); highest among the groups gnomAD compares: Non-Finnish European, 0.035%; no homozygotes.

Submissions (5):

Labcorp Genetics (formerly Invitae), Labcorp
Classification: Likely benign for Osteogenesis imperfecta type 7. Last evaluated: 2026-01-24. Review status: criteria provided, single submitter. Criteria: Invitae Variant Classification Sherloc (09022015). Collection method: clinical testing. Allele origin: germline.

CeGaT Center for Human Genetics Tuebingen
Classification: Likely benign. Last evaluated: 2025-08-01. Review status: criteria provided, single submitter. Criteria: CeGaT Center For Human Genetics Tuebingen Variant Classification Criteria Version 2. Collection method: clinical testing. Allele origin: germline. Affected: yes. Observed: 1 variant allele.
Comment: CRTAP: BP4, BP7

Blueprint Genetics
Classification: Likely benign. Last evaluated: 2024-11-13. Review status: criteria provided, single submitter. Criteria: ACMG Guidelines, 2015. Collection method: clinical testing. Allele origin: germline.

GeneDx
Classification: Likely benign. Last evaluated: 2018-03-05. Review status: criteria provided, single submitter. Criteria: GeneDx Variant Classification (06012015). Collection method: clinical testing. Allele origin: germline. Affected: yes.
Comment: This variant is considered likely benign or benign based on one or more of the following criteria: it is a conservative change, it occurs at a poorly conserved position in the protein, it is predicted to be benign by multiple in silico algorithms, and/or has population frequency not consistent with disease.

Illumina Laboratory Services, Illumina
Classification: Uncertain significance for Osteogenesis imperfecta type 7. Last evaluated: 2018-01-13. Review status: criteria provided, single submitter. Criteria: ICSL Variant Classification Criteria 13 December 2019. Collection method: clinical testing. Allele origin: germline.